The following is an entry in ClinVar:

NM_000245.4(MET):c.1272G>A (p.Leu424=)

Gene: MET (MET proto-oncogene, receptor tyrosine kinase; plus strand). Cytogenetic location: 7q31.2.
Variant type: single nucleotide variant.
Coding change: c.1272G>A on transcript NM_000245.4 (MANE Select); coding-DNA position 1272, G replaced by A.
Protein change: p.Leu424=; no amino-acid change (leucine 424 retained).
Molecular consequence: synonymous variant. On other transcripts: 5 prime UTR variant (1).
Genome position (GRCh38, 1-based): chr7:116,731,739, G>A. VCF-style: chr7-116731739-G-A. GRCh37 (hg19) VCF-style: chr7-116371793-G-A.
Other names: c.1272G>A, p.Leu424= (NM_001127500.3, NM_001324401.3); c.-19G>A (NM_001324402.2).
Identifiers: ClinVar variation 818766 (VCV000818766.14), dbSNP rs1342295714, ClinGen allele CA457215156.

ClinVar aggregate classification (germline): Benign/Likely benign. Review status: criteria provided, multiple submitters, no conflicts (2 of 4 stars). 3 submissions from 3 submitters: Benign (1); Likely benign (2). Last evaluated 2024-11-07.

Conditions:
Renal cell carcinoma. Identifiers: Orphanet 217071, MedGen C0007134, MeSH D002292, MONDO:0005086, HP:0005584.
Papillary renal cell carcinoma type 1 (RCCP1). Also called: Renal adenocarcinoma; Renal cell carcinoma 1; Renal cell carcinoma, somatic; RENAL CELL CARCINOMA, PAPILLARY, 1, SOMATIC. Identifiers: Orphanet 47044, MedGen C1336839, OMIM 605074, HP:0011797.
Hereditary cancer-predisposing syndrome. Also called: Tumor predisposition; Hereditary neoplastic syndrome; Neoplastic Syndromes, Hereditary; Hereditary Cancer Syndrome. Identifiers: Orphanet 140162, MedGen C0027672, MeSH D009386, MONDO:0015356.

Allele frequency attached by ClinVar (database versions not stated): gnomAD exomes below 0.00001.
gnomAD v4.1: 1 of 1,614,102 alleles (0.000062%); highest among the groups gnomAD compares: Non-Finnish European, 0.000085%; no homozygotes.

Submissions (3):

Myriad Genetics, Inc.
Classification: Benign for Papillary renal cell carcinoma type 1. Last evaluated: 2024-11-07. Review status: criteria provided, single submitter. Criteria: Myriad Autosomal Dominant, Autosomal Recessive and X-Linked Classification Criteria (2023). Collection method: clinical testing. Allele origin: unknown.
Comment: This variant is considered benign. This variant is a silent/synonymous amino acid change and it is not expected to impact splicing.

Labcorp Genetics (formerly Invitae), Labcorp
Classification: Likely benign for Renal cell carcinoma. Last evaluated: 2023-08-25. Review status: criteria provided, single submitter. Criteria: Invitae Variant Classification Sherloc (09022015). Collection method: clinical testing. Allele origin: germline.

Ambry Genetics
Classification: Likely benign for Hereditary cancer-predisposing syndrome. Last evaluated: 2018-10-26. Review status: criteria provided, single submitter. Criteria: Ambry Variant Classification Scheme 2023. Collection method: clinical testing. Allele origin: germline.